The following is an entry in ClinVar:

ClinVar aggregate classification (germline): Uncertain significance (1 of 4 stars; one submission).

gnomAD v4.1: 2 of 1,613,282 alleles (0.00012%); highest among the groups gnomAD compares: Non-Finnish European, 0.00017%; no homozygotes.

Submission:

GeneDx
Classification: Uncertain significance. Last evaluated: 2023-03-28. Review status: criteria provided, single submitter. Criteria: GeneDx Variant Classification Process June 2021. Collection method: clinical testing. Allele origin: germline. Affected: yes.
Comment: Not observed at significant frequency in large population cohorts (gnomAD); In silico analysis supports that this missense variant has a deleterious effect on protein structure/function; Has not been previously published as pathogenic or benign to our knowledge

NM_001287491.2(TET3):c.2616C>G (p.Ile872Met)

Gene: TET3 (tet methylcytosine dioxygenase 3; plus strand). Cytogenetic location: 2p13.1.
Variant type: single nucleotide variant.
Coding change: c.2616C>G on transcript NM_001287491.2 (MANE Select); coding-DNA position 2616, C replaced by G.
Protein change: p.Ile872Met; replaces isoleucine 872 with methionine.
Molecular consequence: missense variant.
Genome position (GRCh38, 1-based): chr2:74,080,528, C>G. VCF-style: chr2-74080528-C-G. GRCh37 (hg19) VCF-style: chr2-74307655-C-G.
Other names: c.2337C>G, p.Ile779Met (NM_001366022.1); c.2211C>G, p.Ile737Met (NM_144993.1); short protein forms I737M, I779M, I872M.
Identifiers: ClinVar variation 2582104 (VCV002582104.1), dbSNP rs1474311297, ClinGen allele CA347309021.